The following is an entry in ClinVar:

ClinVar aggregate classification (germline): Benign. Review status: criteria provided, multiple submitters, no conflicts (2 of 4 stars). 4 submissions from 4 submitters: Benign (4). Last evaluated 2022-09-29.

Allele frequency attached by ClinVar (database versions not stated): 1000 Genomes Project 30x 0.07542; gnomAD 0.11168 and 0.11065; gnomAD exomes 0.15235 and 0.11756; 1000 Genomes Project 0.07528; TOPMed 0.10710; ExAC 0.11807; ESP Exome Variant Server 0.12058.
gnomAD v4.1: 238,199 of 1,613,730 alleles (15%); highest among the groups gnomAD compares: Non-Finnish European, 17%; 19,072 homozygotes.

Submissions (4):

Mayo Clinic Laboratories, Mayo Clinic
Classification: Benign. Last evaluated: 2022-09-29. Review status: criteria provided, single submitter. Criteria: ACMG Guidelines, 2015. Collection method: clinical testing. Allele origin: germline. Observed: 124 variant alleles.

GeneDx
Classification: Benign. Last evaluated: 2018-11-11. Review status: criteria provided, single submitter. Criteria: GeneDx Variant Classification Process June 2021. Collection method: clinical testing. Allele origin: germline. Affected: yes.

Laboratory for Molecular Medicine, Mass General Brigham Personalized Medicine
Classification: Benign. Last evaluated: 2016-03-29. Review status: criteria provided, single submitter. Criteria: LMM Criteria. Collection method: clinical testing. Allele origin: germline.
Comment: Variant identified in a genome or exome case(s) and assessed due to predicted null impact of the variant or pathogenic assertions in the literature or databases. Disclaimer: This variant has not undergone full assessment. The following are preliminary notes: Frequency

Breakthrough Genomics
Classification: Benign. Review status: criteria provided, single submitter. Criteria: ACMG Guidelines, 2015. Collection method: not provided. Allele origin: germline. Inheritance: Autosomal recessive inheritance. Affected: yes.

NM_031471.6(FERMT3):c.1080-24C>T

Gene: FERMT3 (FERM domain containing kindlin 3; plus strand). Cytogenetic location: 11q13.1.
Variant type: single nucleotide variant.
Coding change: c.1080-24C>T on transcript NM_031471.6 (MANE Select); 24 bases into the intron before coding-DNA position 1080, C replaced by T.
Molecular consequence: intron variant.
Genome position (GRCh38, 1-based): chr11:64,219,867, C>T. VCF-style: chr11-64219867-C-T. GRCh37 (hg19) VCF-style: chr11-63987339-C-T.
Other names: p.?; c.1080-24C>T (NM_001382448.1, NM_001382361.1); c.1080-12C>T (NM_178443.3, NM_001382362.1); c.540-12C>T (NM_001382364.1); c.540-24C>T (NM_001382363.1).
Identifiers: ClinVar variation 402863 (VCV000402863.8), dbSNP rs11231726, ClinGen allele CA6069029.